The following is an entry in ClinVar:

NM_003482.4(KMT2D):c.11680A>C (p.Met3894Leu)

Gene: KMT2D (lysine methyltransferase 2D; minus strand). Cytogenetic location: 12q13.12.
Variant type: single nucleotide variant.
Coding change: c.11680A>C on transcript NM_003482.4 (MANE Select); coding-DNA position 11680, A replaced by C.
Protein change: p.Met3894Leu; replaces methionine 3894 with leucine.
Molecular consequence: missense variant.
Genome position (GRCh38, 1-based): chr12:49,033,025, T>G on the plus strand (A>C on the coding strand, the complement: KMT2D is on the minus strand). VCF-style: chr12-49033025-T-G. GRCh37 (hg19) VCF-style: chr12-49426808-T-G.
Other names: short protein forms M3894L.
Identifiers: ClinVar variation 3025989 (VCV003025989.22), dbSNP rs1190074417, ClinGen allele CA384716679.

ClinVar aggregate classification (germline): Likely benign (1 of 4 stars; one submission).

gnomAD v4.1: 2 of 1,551,224 alleles (0.00013%); highest among the groups gnomAD compares: Non-Finnish European, 0.00017%; no homozygotes.

Submission:

CeGaT Center for Human Genetics Tuebingen
Classification: Likely benign. Last evaluated: 2023-12-01. Review status: criteria provided, single submitter. Criteria: CeGaT Center For Human Genetics Tuebingen Variant Classification Criteria Version 2. Collection method: clinical testing. Allele origin: germline. Affected: yes. Observed: 1 variant allele.
Comment: KMT2D: BP4